The following is an entry in ClinVar:

NM_001109809.5(ZFP57):c.732T>C (p.Ser244=)

Gene: ZFP57 (ZFP57 zinc finger protein; minus strand). Cytogenetic location: 6p22.1.
Variant type: single nucleotide variant.
Coding change: c.732T>C on transcript NM_001109809.5 (MANE Select); coding-DNA position 732, T replaced by C.
Protein change: p.Ser244=; no amino-acid change (serine 244 retained).
Molecular consequence: synonymous variant.
Genome position (GRCh38, 1-based): chr6:29,673,379, A>G on the plus strand (T>C on the coding strand, the complement: ZFP57 is on the minus strand). VCF-style: chr6-29673379-A-G. GRCh37 (hg19) VCF-style: chr6-29641156-A-G.
Other names: c.516T>C, p.Ser172= (NM_001366333.2).
Identifiers: ClinVar variation 905243 (VCV000905243.16), dbSNP rs190197921, ClinGen allele CA3690774.

ClinVar aggregate classification (germline): Benign/Likely benign. Review status: criteria provided, multiple submitters, no conflicts (2 of 4 stars). 4 submissions from 4 submitters: Benign (2); Likely benign (2). Last evaluated 2026-01-21.

Conditions:
Diabetes mellitus, transient neonatal, 1 (TNDM1). Also called: Diabetes Mellitus, 6q24-Related Transient Neonatal. Identifiers: Orphanet 99886, MedGen C1832386, MONDO:0011073, OMIM 601410.

Allele frequency attached by ClinVar (database versions not stated): gnomAD exomes 0.00026 and 0.00073; ExAC 0.00085; 1000 Genomes Project 30x 0.00094; 1000 Genomes Project 0.00100; gnomAD 0.00253 and 0.00290; ESP Exome Variant Server 0.00289; TOPMed 0.00300.
gnomAD v4.1: 794 of 1,613,086 alleles (0.049%); highest among the groups gnomAD compares: African/African-American, 0.85%; 5 homozygotes.

Submissions (4):

Labcorp Genetics (formerly Invitae), Labcorp
Classification: Benign. Last evaluated: 2026-01-21. Review status: criteria provided, single submitter. Criteria: Invitae Variant Classification Sherloc (09022015). Collection method: clinical testing. Allele origin: germline.

ARUP Laboratories, Molecular Genetics and Genomics, ARUP Laboratories
Classification: Benign for Diabetes mellitus, transient neonatal, 1. Last evaluated: 2025-06-24. Review status: criteria provided, single submitter. Criteria: ARUP Molecular Germline Variant Investigation Process 2024. Collection method: clinical testing. Allele origin: germline.

Genetic Services Laboratory, University of Chicago
Classification: Likely benign. Last evaluated: 2020-07-28. Review status: criteria provided, single submitter. Criteria: ACMG Guidelines, 2015. Collection method: clinical testing. Allele origin: germline. Affected: no.

Illumina Laboratory Services, Illumina
Classification: Likely benign for Diabetes mellitus, transient neonatal, 1. Last evaluated: 2017-04-28. Review status: criteria provided, single submitter. Criteria: ICSL Variant Classification Criteria 13 December 2019. Collection method: clinical testing. Allele origin: germline.
Comment: This variant was observed as part of a predisposition screen in an ostensibly healthy population. A literature search was performed for the gene, cDNA change, and amino acid change (where applicable). Publications were found based on this search. The evidence from the literature, in combination with allele frequency data from public databases where available, was sufficient to determine this variant is unlikely to cause disease. Therefore, this variant is classified as likely benign.

Literature cited by the submitters: PubMed 23499433 (cited by Illumina Laboratory Services, Illumina).